The following is an entry in ClinVar:

ClinVar aggregate classification (germline): Likely benign (1 of 4 stars; one submission).

Submission:

CeGaT Center for Human Genetics Tuebingen
Classification: Likely benign. Last evaluated: 2026-06-01. Review status: criteria provided, single submitter. Criteria: CeGaT Center For Human Genetics Tuebingen Variant Classification Criteria Version 2. Collection method: clinical testing. Allele origin: germline. Affected: yes. Observed: 1 variant allele.
Comment: DGCR6: PM2:Supporting, BP4, BP7

NM_005675.6(DGCR6):c.144G>C (p.Leu48=)

Gene: DGCR6 (DiGeorge syndrome critical region gene 6; plus strand). Cytogenetic location: 22q11.21.
Variant type: single nucleotide variant.
Coding change: c.144G>C on transcript NM_005675.6 (MANE Select); coding-DNA position 144, G replaced by C.
Protein change: p.Leu48=; no amino-acid change (leucine 48 retained).
Molecular consequence: synonymous variant.
Genome position (GRCh38, 1-based): chr22:18,906,598, G>C. VCF-style: chr22-18906598-G-C. GRCh37 (hg19) VCF-style: chr22-18894111-G-C.
Identifiers: ClinVar variation 4873246 (VCV004873246.2).
Genomic context (GRCh38, chr22:18,906,598, plus strand): 5'-GGCTCACCGCGCTCCTCTACCCCGCAGCTCATTCCAGCAGCGCTTGTCCTACACCACGCT[G>C]AGCGACCTGGCCCTGGCGCTTCTCGACGGCACCGTGTTCGAAATCGTGCAGGGGCTACTG-3'
Protein context (NP_005666.2, residues 38-58): SFQQRLSYTT[Leu48=]SDLALALLDG